The following is an entry in ClinVar:

NM_000038.6(APC):c.2413C>G (p.Arg805Gly)

Gene: APC (APC regulator of Wnt signaling pathway; plus strand). Cytogenetic location: 5q22.2.
Variant type: single nucleotide variant.
Coding change: c.2413C>G on transcript NM_000038.6 (MANE Select); coding-DNA position 2413, C replaced by G.
Protein change: p.Arg805Gly; replaces arginine 805 with glycine.
Molecular consequence: missense variant.
Genome position (GRCh38, 1-based): chr5:112,838,007, C>G. VCF-style: chr5-112838007-C-G. GRCh37 (hg19) VCF-style: chr5-112173704-C-G.
Other names: c.2413C>G, p.Arg805Gly (NM_001127510.3, NM_001354895.2); c.2359C>G, p.Arg787Gly (NM_001127511.3); c.2467C>G, p.Arg823Gly (NM_001354896.2); c.2443C>G, p.Arg815Gly (NM_001354897.2); c.2338C>G, p.Arg780Gly (NM_001354898.2); c.2329C>G, p.Arg777Gly (NM_001354899.2); c.2290C>G, p.Arg764Gly (NM_001354900.2); c.2236C>G, p.Arg746Gly (NM_001354901.2); and 5 more; short protein forms R787G, R805G, R645G, R704G, R777G, R815G, R823G, R522G.
Identifiers: ClinVar variation 140951 (VCV000140951.14), dbSNP rs587779783, ClinGen allele CA007443.

ClinVar aggregate classification (germline): Uncertain significance. Review status: criteria provided, multiple submitters, no conflicts (2 of 4 stars). 2 submissions from 2 submitters: Uncertain significance (2). Last evaluated 2024-07-16.

Conditions:
Hereditary cancer-predisposing syndrome. Also called: Neoplastic Syndromes, Hereditary; Tumor predisposition; Hereditary Cancer Syndrome; Hereditary neoplastic syndrome. Identifiers: Orphanet 140162, MedGen C0027672, MeSH D009386, MONDO:0015356.
Familial adenomatous polyposis 1 (FAP1). Also called: FAMILIAL ADENOMATOUS POLYPOSIS 1, ATTENUATED; POLYPOSIS, ADENOMATOUS INTESTINAL. Identifiers: MedGen C2713442, MONDO:0021056, OMIM 175100. Disease mechanism: loss of function.

Allele frequency attached by ClinVar (database versions not stated): gnomAD exomes below 0.00001.
gnomAD v4.1: 4 of 1,614,052 alleles (0.00025%); highest among the groups gnomAD compares: East Asian, 0.0022%; no homozygotes.

Submissions (2):

Labcorp Genetics (formerly Invitae), Labcorp
Classification: Uncertain significance for Familial adenomatous polyposis 1. Last evaluated: 2024-07-16. Review status: criteria provided, single submitter. Criteria: Invitae Variant Classification Sherloc (09022015). Collection method: clinical testing. Allele origin: germline.
Comment: This sequence change replaces arginine, which is basic and polar, with glycine, which is neutral and non-polar, at codon 805 of the APC protein (p.Arg805Gly). This variant is not present in population databases (gnomAD no frequency). This variant has not been reported in the literature in individuals affected with APC-related conditions. ClinVar contains an entry for this variant (Variation ID: 140951). Advanced modeling of protein sequence and biophysical properties (such as structural, functional, and spatial information, amino acid conservation, physicochemical variation, residue mobility, and thermodynamic stability) performed at Invitae indicates that this missense variant is not expected to disrupt APC protein function with a negative predictive value of 95%. In summary, the available evidence is currently insufficient to determine the role of this variant in disease. Therefore, it has been classified as a Variant of Uncertain Significance.

Ambry Genetics
Classification: Uncertain significance for Hereditary cancer-predisposing syndrome. Last evaluated: 2023-11-29. Review status: criteria provided, single submitter. Criteria: Ambry Variant Classification Scheme 2023. Collection method: clinical testing. Allele origin: germline.
Comment: The p.R805G variant (also known as c.2413C>G), located in coding exon 15 of the APC gene, results from a C to G substitution at nucleotide position 2413. The arginine at codon 805 is replaced by glycine, an amino acid with dissimilar properties. This nucleotide position is well conserved in available vertebrate species. This amino acid position is well conserved in available vertebrate species. In addition, in silico predictors for this gene do not accurately predict pathogenicity. Since supporting evidence is limited at this time, the clinical significance of this alteration remains unclear.